The following is an entry in ClinVar:

NM_000321.3(RB1):c.-134G>C

Gene: RB1 (RB transcriptional corepressor 1; plus strand). Cytogenetic location: 13q14.2.
Variant type: single nucleotide variant.
Coding change: c.-134G>C on transcript NM_000321.3 (MANE Select); 134 bases upstream of the start codon, G replaced by C.
Molecular consequence: 5 prime UTR variant.
Genome position (GRCh38, 1-based): chr13:48,303,779, G>C. VCF-style: chr13-48303779-G-C. GRCh37 (hg19) VCF-style: chr13-48877915-G-C.
Other names: c.-134G>C (NM_001407165.1, NM_001407166.1, NM_001407167.1).
Identifiers: ClinVar variation 3712887 (VCV003712887.2).

ClinVar aggregate classification (germline): Uncertain significance (1 of 4 stars; one submission).

Conditions:
Retinoblastoma (RB1). Also called: RETINOBLASTOMA, SOMATIC. Identifiers: Orphanet 790, MedGen C0035335, MeSH D012175, MONDO:0008380, OMIM 180200, HP:0009919. Disease mechanism: loss of function. Inheritance: Both sporadic and heritable forms are tested..

gnomAD v4.1: 2 of 1,370,418 alleles (0.00015%); highest among the groups gnomAD compares: Admixed American, 0.0055%; no homozygotes.

Submission:

Labcorp Genetics (formerly Invitae), Labcorp
Classification: Uncertain significance for Retinoblastoma. Last evaluated: 2025-07-13. Review status: criteria provided, single submitter. Criteria: Invitae Variant Classification Sherloc (09022015). Collection method: clinical testing. Allele origin: germline.
Comment: This variant occurs in a non-coding region of the RB1 gene. It does not change the encoded amino acid sequence of the RB1 protein. This variant is not present in population databases (gnomAD no frequency). This variant has not been reported in the literature in individuals affected with RB1-related conditions. ClinVar contains an entry for this variant (Variation ID: 3712887). In summary, the available evidence is currently insufficient to determine the role of this variant in disease. Therefore, it has been classified as a Variant of Uncertain Significance.